The following is an entry in ClinVar:

NM_005228.5(EGFR):c.119A>G (p.Gln40Arg)

Gene: EGFR (epidermal growth factor receptor; plus strand). Cytogenetic location: 7p11.2.
Variant type: single nucleotide variant.
Coding change: c.119A>G on transcript NM_005228.5 (MANE Select); coding-DNA position 119, A replaced by G.
Protein change: p.Gln40Arg; replaces glutamine 40 with arginine.
Molecular consequence: missense variant. On other transcripts: 5 prime UTR variant (1), intron variant (1).
Genome position (GRCh38, 1-based): chr7:55,142,316, A>G. VCF-style: chr7-55142316-A-G. GRCh37 (hg19) VCF-style: chr7-55210009-A-G.
Other names: c.119A>G, p.Gln40Arg (NM_001346897.2, NM_001346898.2, NM_001346899.2 and 3 more transcripts); c.-41A>G (NM_001346900.2); c.89-13514A>G (NM_001346941.2); short protein forms Q40R.
Identifiers: ClinVar variation 2695334 (VCV002695334.4), dbSNP rs2128926176, ClinGen allele CA367574255.
Genomic context (GRCh38, chr7:55,142,316, plus strand): 5'-TTTCATGTGATATCTGTCTTTTTCTTCCAGTTTGCCAAGGCACGAGTAACAAGCTCACGC[A>G]GTTGGGCACTTTTGAAGATCATTTTCTCAGCCTCCAGAGGATGTTCAATAACTGTGAGGT-3'
Protein context (NP_005219.2, residues 30-50): VCQGTSNKLT[Gln40Arg]LGTFEDHFLS

ClinVar aggregate classification (germline): Uncertain significance. Review status: criteria provided, multiple submitters, no conflicts (2 of 4 stars). 2 submissions from 2 submitters: Uncertain significance (2). Last evaluated 2025-12-02.

Conditions:
Hereditary cancer-predisposing syndrome. Also called: Neoplastic Syndromes, Hereditary; Tumor predisposition; Hereditary neoplastic syndrome; Hereditary Cancer Syndrome. Identifiers: Orphanet 140162, MedGen C0027672, MeSH D009386, MONDO:0015356.
EGFR-related lung cancer (EGFR). Identifiers: MedGen CN130014.

Submissions (2):

Ambry Genetics
Classification: Uncertain significance for Hereditary cancer-predisposing syndrome. Last evaluated: 2025-12-02. Review status: criteria provided, single submitter. Criteria: Ambry Variant Classification Scheme 2023. Collection method: clinical testing. Allele origin: germline.
Comment: The p.Q40R variant (also known as c.119A>G), located in coding exon 2 of the EGFR gene, results from an A to G substitution at nucleotide position 119. The glutamine at codon 40 is replaced by arginine, an amino acid with highly similar properties. This amino acid position is conserved. In addition, the in silico prediction for this alteration is inconclusive. Based on the available evidence, the clinical significance of this variant remains unclear.

Labcorp Genetics (formerly Invitae), Labcorp
Classification: Uncertain significance for EGFR-related lung cancer. Last evaluated: 2023-11-19. Review status: criteria provided, single submitter. Criteria: Invitae Variant Classification Sherloc (09022015). Collection method: clinical testing. Allele origin: germline.
Comment: This sequence change replaces glutamine, which is neutral and polar, with arginine, which is basic and polar, at codon 40 of the EGFR protein (p.Gln40Arg). This variant is not present in population databases (gnomAD no frequency). This variant has not been reported in the literature in individuals affected with EGFR-related conditions. Advanced modeling of protein sequence and biophysical properties (such as structural, functional, and spatial information, amino acid conservation, physicochemical variation, residue mobility, and thermodynamic stability) performed at Invitae indicates that this missense variant is not expected to disrupt EGFR protein function with a negative predictive value of 80%. In summary, the available evidence is currently insufficient to determine the role of this variant in disease. Therefore, it has been classified as a Variant of Uncertain Significance.